The following is an entry in ClinVar:

NM_001017979.3(RAB28):c.328GTG[1] (p.Val111del)

Gene: RAB28 (RAB28, member RAS oncogene family; minus strand). Cytogenetic location: 4p15.33.
Variant type: Microsatellite.
Coding change: c.328GTG[1] on transcript NM_001017979.3 (MANE Select); one copy of the 3-base unit GTG starting at c.328; the reference has two copies in a row; one copy, 3 bases deleted; also written c.331_333del.
Protein change: p.Val111del; deletes valine 111.
Molecular consequence: inframe deletion.
Genome position (GRCh38, 1-based): chr4:13,460,757-13,460,759, CAC deleted on the plus strand (GTG on the coding strand, the reverse complement: RAB28 is on the minus strand); deleting any 3 consecutive bases within chr4:13,460,757-13,460,762 gives the same sequence; the position shown is the placement nearest the transcript's 3' end. VCF-style (leftmost placement, unchanged base first): chr4-13460756-TCAC-T. GRCh37 (hg19) VCF-style: chr4-13462380-TCAC-T.
Other names: c.331_333del (NM_001017979.3); c.328GTG[1], p.Val111del (NM_001159601.2, NM_004249.4); short protein forms V111del.
Identifiers: ClinVar variation 1960852 (VCV001960852.7), dbSNP rs2474724420, ClinGen allele CA2580616093.
Genomic context (GRCh38, chr4:13,460,756, plus strand): 5'-TACTTTTATTGCCTACCAAGGCAACCAGTGGCTGAGTTTCTGACTCCTCGCTCACTTTCT[TCAC>T]CACAGTATACCAATCTTCTAAATTCTCAAAGCTTTGATAATTTGTAATATCATATACCAA-3'

ClinVar aggregate classification (germline): Uncertain significance. Review status: criteria provided, multiple submitters, no conflicts (2 of 4 stars). 3 submissions from 3 submitters: Uncertain significance (2). 1 of the submissions does not count toward it. Last evaluated 2023-06-06.

Conditions:
Cone-rod dystrophy 18 (CORD18). Identifiers: Orphanet 1872, MedGen C3809299, MONDO:0014153, OMIM 615374.

Submissions (3):

Labcorp Genetics (formerly Invitae), Labcorp
Classification: Uncertain significance. Last evaluated: 2023-06-06. Review status: criteria provided, single submitter. Criteria: Invitae Variant Classification Sherloc (09022015). Collection method: clinical testing. Allele origin: germline.
Comment: In summary, the available evidence is currently insufficient to determine the role of this variant in disease. Therefore, it has been classified as a Variant of Uncertain Significance. Experimental studies and prediction algorithms are not available or were not evaluated, and the functional significance of this variant is currently unknown. This variant has not been reported in the literature in individuals affected with RAB28-related conditions. This variant is not present in population databases (gnomAD no frequency). This variant, c.331_333del, results in the deletion of 1 amino acid(s) of the RAB28 protein (p.Val111del), but otherwise preserves the integrity of the reading frame.

Blueprint Genetics
Classification: Uncertain significance. Last evaluated: 2020-08-17. Review status: criteria provided, single submitter. Criteria: ACMG Guidelines, 2015. Collection method: clinical testing. Allele origin: germline.

Laboratory of Genetics in Ophthalmology, Institut Imagine
Classification: Likely pathogenic for Cone-rod dystrophy 18. Review status: no assertion criteria provided. Collection method: research. Allele origin: inherited. Affected: yes. Not counted in ClinVar's aggregate classification.